The following is an entry in ClinVar:

ClinVar aggregate classification (germline): Uncertain significance. Review status: criteria provided, multiple submitters, no conflicts (2 of 4 stars). 2 submissions from 2 submitters: Uncertain significance (2). Last evaluated 2024-09-26.

Conditions:
Inborn genetic diseases. Identifiers: MedGen C0950123, MeSH D030342.
MHC class I deficiency. Identifiers: Orphanet 34592, MedGen C6024714, MONDO:0011476.

Allele frequency attached by ClinVar (database versions not stated): gnomAD exomes 0.00002; ExAC 0.00003; gnomAD 0.00004 and 0.00003; TOPMed 0.00003.

Submissions (2):

Ambry Genetics
Classification: Uncertain significance for Inborn genetic diseases. Last evaluated: 2024-09-26. Review status: criteria provided, single submitter. Criteria: Ambry Variant Classification Scheme 2023. Collection method: clinical testing. Allele origin: germline.

Labcorp Genetics (formerly Invitae), Labcorp
Classification: Uncertain significance for MHC class I deficiency 1. Last evaluated: 2022-08-31. Review status: criteria provided, single submitter. Criteria: Invitae Variant Classification Sherloc (09022015). Collection method: clinical testing. Allele origin: germline.
Comment: This sequence change replaces arginine, which is basic and polar, with tryptophan, which is neutral and slightly polar, at codon 619 of the TAP2 protein (p.Arg619Trp). This variant is present in population databases (rs772061173, gnomAD 0.01%). This variant has not been reported in the literature in individuals affected with TAP2-related conditions. ClinVar contains an entry for this variant (Variation ID: 1430073). Algorithms developed to predict the effect of missense changes on protein structure and function are either unavailable or do not agree on the potential impact of this missense change (SIFT: "Deleterious"; PolyPhen-2: "Not Available"; Align-GVGD: "Class C0"). In summary, the available evidence is currently insufficient to determine the role of this variant in disease. Therefore, it has been classified as a Variant of Uncertain Significance.

NM_001290043.2(TAP2):c.1855C>T (p.Arg619Trp)

Gene: TAP2 (transporter 2, ATP binding cassette subfamily B member; minus strand). Cytogenetic location: 6p21.32.
Variant type: single nucleotide variant.
Coding change: c.1855C>T on transcript NM_001290043.2 (MANE Select); coding-DNA position 1855, C replaced by T.
Protein change: p.Arg619Trp; replaces arginine 619 with tryptophan.
Molecular consequence: missense variant.
Genome position (GRCh38, 1-based): chr6:32,829,477, G>A on the plus strand (C>T on the coding strand, the complement: TAP2 is on the minus strand). VCF-style: chr6-32829477-G-A. GRCh37 (hg19) VCF-style: chr6-32797254-G-A.
Other names: c.1855C>T, p.Arg619Trp (NM_000544.3, NM_018833.3); short protein forms R619W.
Identifiers: ClinVar variation 1430073 (VCV001430073.4), dbSNP rs772061173, ClinGen allele CA3745779.